The following is an entry in ClinVar:

NM_000017.4(ACADS):c.125_135del (p.Leu42fs)

Gene: ACADS (acyl-CoA dehydrogenase short chain; plus strand). Cytogenetic location: 12q24.31.
Variant type: Deletion.
Coding change: c.125_135del on transcript NM_000017.4 (MANE Select); coding-DNA positions 125 to 135, 11 bases deleted (TCCAGACATGC).
Protein change: p.Leu42fs; shifts the reading frame from leucine 42.
Molecular consequence: frameshift variant.
Genome position (GRCh38, 1-based): chr12:120,727,104-120,727,114, TCCAGACATGC deleted; deleting any 11 consecutive bases within chr12:120,727,101-120,727,114 gives the same sequence; the c. name uses the placement nearest the transcript's 3' end. VCF-style (leftmost placement, unchanged base first): chr12-120727100-TTGCTCCAGACA-T. GRCh37 (hg19) VCF-style: chr12-121164903-TTGCTCCAGACA-T.
Other names: c.125_135del, p.Leu42fs (NM_001302554.2); c.125_135del (NM_000017.2); short protein forms L42fs.
Identifiers: ClinVar variation 370741 (VCV000370741.11), dbSNP rs1057516733, ClinGen allele CA16041563.

ClinVar aggregate classification (germline): Pathogenic/Likely pathogenic. Review status: criteria provided, multiple submitters, no conflicts (2 of 4 stars). 4 submissions from 4 submitters: Pathogenic (2); Likely pathogenic (1). 1 of the submissions does not count toward it. Last evaluated 2026-07-03.

Conditions:
Deficiency of butyryl-CoA dehydrogenase (ACADSD). Also called: ACADS DEFICIENCY; Short-Chain Acyl-CoA Dehydrogenase Deficiency; SCAD DEFICIENCY, MILD; ACYL-CoA DEHYDROGENASE, SHORT-CHAIN, DEFICIENCY OF; SCADH DEFICIENCY; SCAD Deficiency. Identifiers: Orphanet 26792, MedGen C0342783, MONDO:0008722, OMIM 201470. Disease mechanism: May be benign.

Submissions (4):

GeneDx
Classification: Pathogenic. Last evaluated: 2026-07-03. Review status: criteria provided, single submitter. Criteria: GeneDx Variant Classification Process June 2021. Collection method: clinical testing. Allele origin: germline.
Comment: Frameshift variant predicted to result in protein truncation or nonsense mediated decay in a gene for which loss of function is a known mechanism of disease; Not observed at significant frequency in large population cohorts (gnomAD); Has not been previously published as pathogenic or benign to our knowledge

Labcorp Genetics (formerly Invitae), Labcorp
Classification: Pathogenic for Deficiency of butyryl-CoA dehydrogenase. Last evaluated: 2024-09-01. Review status: criteria provided, single submitter. Criteria: Invitae Variant Classification Sherloc (09022015). Collection method: clinical testing. Allele origin: germline.
Comment: This sequence change creates a premature translational stop signal (p.Leu42Profs*17) in the ACADS gene. It is expected to result in an absent or disrupted protein product. Loss-of-function variants in ACADS are known to be pathogenic (PMID: 12736383, 18523805). This variant is present in population databases (no rsID available, gnomAD 0.007%). This variant has not been reported in the literature in individuals affected with ACADS-related conditions. ClinVar contains an entry for this variant (Variation ID: 370741). For these reasons, this variant has been classified as Pathogenic.

Fulgent Genetics
Classification: Likely pathogenic for Deficiency of butyryl-CoA dehydrogenase. Last evaluated: 2024-02-27. Review status: criteria provided, single submitter. Criteria: ACMG Guidelines, 2015. Collection method: clinical testing. Allele origin: germline.

Counsyl
Classification: Likely pathogenic for Deficiency of butyryl-CoA dehydrogenase. Last evaluated: 2016-04-06. Review status: no assertion criteria provided. Collection method: clinical testing. Allele origin: unknown. Not counted in ClinVar's aggregate classification.

Literature cited by the submitters: PubMed 12736383 (cited by Labcorp Genetics (formerly Invitae), Labcorp); PubMed 18523805 (cited by Labcorp Genetics (formerly Invitae), Labcorp).